The following is an entry in ClinVar:

ClinVar aggregate classification (germline): Likely benign. Review status: criteria provided, multiple submitters, no conflicts (2 of 4 stars). 2 submissions from 2 submitters: Likely benign (2). Last evaluated 2025-12-15.

Allele frequency attached by ClinVar (database versions not stated): gnomAD exomes below 0.00001 and 0.00001; ExAC 0.00002; gnomAD 0.00002 and 0.00003; TOPMed 0.00014.
gnomAD v4.1: 12 of 1,606,212 alleles (0.00075%); highest among the groups gnomAD compares: Admixed American, 0.015%; no homozygotes.

Submissions (2):

Labcorp Genetics (formerly Invitae), Labcorp
Classification: Likely benign. Last evaluated: 2025-12-15. Review status: criteria provided, single submitter. Criteria: Invitae Variant Classification Sherloc (09022015). Collection method: clinical testing. Allele origin: germline.

GeneDx
Classification: Likely benign. Last evaluated: 2018-04-09. Review status: criteria provided, single submitter. Criteria: GeneDx Variant Classification (06012015). Collection method: clinical testing. Allele origin: germline. Affected: yes.
Comment: This variant is considered likely benign or benign based on one or more of the following criteria: it is a conservative change, it occurs at a poorly conserved position in the protein, it is predicted to be benign by multiple in silico algorithms, and/or has population frequency not consistent with disease.

NM_033109.5(PNPT1):c.1907-17C>T

Gene: PNPT1 (polyribonucleotide nucleotidyltransferase 1; minus strand). Cytogenetic location: 2p16.1.
Variant type: single nucleotide variant.
Coding change: c.1907-17C>T on transcript NM_033109.5 (MANE Select); 17 bases into the intron before coding-DNA position 1907, C replaced by T.
Molecular consequence: intron variant.
Genome position (GRCh38, 1-based): chr2:55,643,442, G>A on the plus strand (C>T on the coding strand, the complement: PNPT1 is on the minus strand). VCF-style: chr2-55643442-G-A. GRCh37 (hg19) VCF-style: chr2-55870577-G-A.
Identifiers: ClinVar variation 680918 (VCV000680918.8), dbSNP rs771144492, ClinGen allele CA1667878.